The following is an entry in ClinVar:

ClinVar aggregate classification (germline): Uncertain significance (1 of 4 stars; one submission).

Conditions:
Atrioventricular septal defect 5 (AVSD5). Identifiers: MedGen C3280939, MONDO:0013769, OMIM 614474.

Allele frequency attached by ClinVar (database versions not stated): gnomAD 0.00001; gnomAD exomes 0.00001; TOPMed 0.00001.
gnomAD v4.1: 14 of 1,276,958 alleles (0.0011%); highest among the groups gnomAD compares: Middle Eastern, 0.025%; no homozygotes.

Submission:

Labcorp Genetics (formerly Invitae), Labcorp
Classification: Uncertain significance for Atrioventricular septal defect 5. Last evaluated: 2025-03-17. Review status: criteria provided, single submitter. Criteria: Invitae Variant Classification Sherloc (09022015). Collection method: clinical testing. Allele origin: germline.
Comment: This sequence change replaces glycine, which is neutral and non-polar, with serine, which is neutral and polar, at codon 305 of the GATA6 protein (p.Gly305Ser). The frequency data for this variant in the population databases is considered unreliable, as metrics indicate poor data quality at this position in the gnomAD database. This variant has not been reported in the literature in individuals affected with GATA6-related conditions. ClinVar contains an entry for this variant (Variation ID: 2037436). Invitae Evidence Modeling of protein sequence and biophysical properties (such as structural, functional, and spatial information, amino acid conservation, physicochemical variation, residue mobility, and thermodynamic stability) indicates that this missense variant is not expected to disrupt GATA6 protein function with a negative predictive value of 80%. In summary, the available evidence is currently insufficient to determine the role of this variant in disease. Therefore, it has been classified as a Variant of Uncertain Significance.

NM_005257.6(GATA6):c.913G>A (p.Gly305Ser)

Gene: GATA6 (GATA binding protein 6; plus strand). Cytogenetic location: 18q11.2.
Variant type: single nucleotide variant.
Coding change: c.913G>A on transcript NM_005257.6 (MANE Select); coding-DNA position 913, G replaced by A.
Protein change: p.Gly305Ser; replaces glycine 305 with serine.
Molecular consequence: missense variant.
Genome position (GRCh38, 1-based): chr18:22,172,057, G>A. VCF-style: chr18-22172057-G-A. GRCh37 (hg19) VCF-style: chr18-19752018-G-A.
Other names: short protein forms G305S.
Identifiers: ClinVar variation 2037436 (VCV002037436.4), dbSNP rs1483440852, ClinGen allele CA401801371.